The following is an entry in ClinVar:

ClinVar aggregate classification (germline): Uncertain significance. Review status: criteria provided, multiple submitters, no conflicts (2 of 4 stars). 2 submissions from 2 submitters: Uncertain significance (2). Last evaluated 2025-04-17.

Conditions:
Saldino-Mainzer syndrome (SRTD9). Also called: Renal dysplasia, retinal pigmentary dystrophy, cerebellar ataxia and skeletal dysplasia; CONORENAL SYNDROME; short-rib thoracic dysplasia 9 with or without polydactyly; SHORT-RIB THORACIC DYSPLASIA 9 WITHOUT POLYDACTYLY. Identifiers: Orphanet 140969, MedGen C1849437, MONDO:0009964, OMIM 266920.

Allele frequency attached by ClinVar (database versions not stated): gnomAD 0.00001; gnomAD exomes 0.00001; TOPMed 0.00001; ExAC 0.00003.
gnomAD v4.1: 13 of 1,596,428 alleles (0.00081%); highest among the groups gnomAD compares: East Asian, 0.0023%; no homozygotes.

Submissions (2):

Labcorp Genetics (formerly Invitae), Labcorp
Classification: Uncertain significance for Saldino-Mainzer syndrome. Last evaluated: 2025-04-17. Review status: criteria provided, single submitter. Criteria: Invitae Variant Classification Sherloc (09022015). Collection method: clinical testing. Allele origin: germline.
Comment: This sequence change falls in intron 10 of the IFT140 gene. It does not directly change the encoded amino acid sequence of the IFT140 protein. The frequency data for this variant in the population databases is considered unreliable, as metrics indicate poor data quality at this position in the gnomAD database. This variant has been observed in individual(s) with retinitis pigmentosa (internal data). ClinVar contains an entry for this variant (Variation ID: 949614). Algorithms developed to predict the effect of sequence changes on RNA splicing suggest that this variant may disrupt the consensus splice site. In summary, the available evidence is currently insufficient to determine the role of this variant in disease. Therefore, it has been classified as a Variant of Uncertain Significance.

Blueprint Genetics
Classification: Uncertain significance. Last evaluated: 2022-03-01. Review status: criteria provided, single submitter. Criteria: ACMG Guidelines, 2015. Collection method: clinical testing. Allele origin: germline.

NM_014714.4(IFT140):c.1156-6A>G

Genes: IFT140 (intraflagellar transport 140; minus strand), LOC105371046 (uncharacterized LOC105371046; plus strand). Cytogenetic location: 16p13.3.
Variant type: single nucleotide variant.
Coding change: c.1156-6A>G on transcript NM_014714.4 (MANE Select); 6 bases into the intron before coding-DNA position 1156, A replaced by G.
Molecular consequence: intron variant.
Genome position (GRCh38, 1-based): chr16:1,584,426, T>C on the plus strand (A>G on the coding strand, the complement: IFT140 is on the minus strand). VCF-style: chr16-1584426-T-C. GRCh37 (hg19) VCF-style: chr16-1634427-T-C.
Identifiers: ClinVar variation 949614 (VCV000949614.10), dbSNP rs769650753, ClinGen allele CA7814408.